The following is an entry in ClinVar:

ClinVar aggregate classification (germline): Pathogenic/Likely pathogenic. Review status: criteria provided, multiple submitters, no conflicts (2 of 4 stars). 2 submissions from 2 submitters: Pathogenic (1); Likely pathogenic (1). Last evaluated 2022-03-31.

Conditions:
Orofaciodigital syndrome type 6 (OFD6). Also called: OROFACIODIGITAL SYNDROME VI; OFDS VI; POLYDACTYLY, CLEFT LIP/PALATE OR LINGUAL LUMP, AND PSYCHOMOTOR RETARDATION; VARADI SYNDROME; VARADI-PAPP SYNDROME; Oral-facial-digital syndrome type 6. Identifiers: Orphanet 2754, MedGen C2745997, MONDO:0010176, OMIM 277170.
Joubert syndrome 17 (JBTS17). Identifiers: Orphanet 475, MedGen C3553264, MONDO:0013824, OMIM 614615.

Submissions (2):

Fulgent Genetics
Classification: Likely pathogenic for Orofaciodigital syndrome type 6; Joubert syndrome 17. Last evaluated: 2022-03-31. Review status: criteria provided, single submitter. Criteria: ACMG Guidelines, 2015. Collection method: clinical testing. Allele origin: unknown.

Labcorp Genetics (formerly Invitae), Labcorp
Classification: Pathogenic. Last evaluated: 2021-04-02. Review status: criteria provided, single submitter. Criteria: Invitae Variant Classification Sherloc (09022015). Collection method: clinical testing. Allele origin: germline.
Comment: This sequence change creates a premature translational stop signal (p.Ser2160Valfs*7) in the CPLANE1 gene. It is expected to result in an absent or disrupted protein product. Loss-of-function variants in CPLANE1 are known to be pathogenic (PMID: 24178751, 26092869). This variant is present in population databases (rs747815682, ExAC 0.003%). This variant has not been reported in the literature in individuals with CPLANE1-related conditions. For these reasons, this variant has been classified as Pathogenic.

Literature cited by the submitters: PubMed 24178751 (cited by Labcorp Genetics (formerly Invitae), Labcorp); PubMed 26092869 (cited by Labcorp Genetics (formerly Invitae), Labcorp).

NM_001384732.1(CPLANE1):c.6477del (p.Ser2160fs)

Gene: CPLANE1 (ciliogenesis and planar polarity effector complex subunit 1; minus strand). Cytogenetic location: 5p13.2.
Variant type: Deletion.
Coding change: c.6477del on transcript NM_001384732.1 (MANE Select); coding-DNA position 6477, one base deleted (G; older notation c.6477delG).
Protein change: p.Ser2160fs; shifts the reading frame from serine 2160.
Molecular consequence: frameshift variant.
Genome position (GRCh38, 1-based): chr5:37,169,547, C deleted on the plus strand (G on the coding strand, the reverse complement: CPLANE1 is on the minus strand); the first of 3 consecutive C bases (chr5:37,169,547-37,169,549); deleting any one gives the same sequence. VCF-style (leftmost placement, unchanged base first): chr5-37169546-TC-T. GRCh37 (hg19) VCF-style: chr5-37169648-TC-T.
Other names: c.6477del, p.Ser2160fs (NM_023073.4); short protein forms S2160fs.
Identifiers: ClinVar variation 1369735 (VCV001369735.4), dbSNP rs747815682, ClinGen allele CA3238236.